The following is an entry in ClinVar:

ClinVar aggregate classification (germline): Uncertain significance (1 of 4 stars; one submission).

gnomAD v4.1: 1 of 1,614,226 alleles (0.000062%); highest among the groups gnomAD compares: Non-Finnish European, 0.000085%; no homozygotes.

Submission:

GeneDx
Classification: Uncertain significance. Last evaluated: 2024-05-05. Review status: criteria provided, single submitter. Criteria: GeneDx Variant Classification Process June 2021. Collection method: clinical testing. Allele origin: germline. Affected: yes.
Comment: Not observed at significant frequency in large population cohorts (gnomAD); In silico analysis supports that this missense variant has a deleterious effect on protein structure/function; Has not been previously published as pathogenic or benign to our knowledge

NM_000214.3(JAG1):c.620T>C (p.Phe207Ser)

Gene: JAG1 (jagged canonical Notch ligand 1; minus strand). Cytogenetic location: 20p12.2.
Variant type: single nucleotide variant.
Coding change: c.620T>C on transcript NM_000214.3 (MANE Select); coding-DNA position 620, T replaced by C.
Protein change: p.Phe207Ser; replaces phenylalanine 207 with serine.
Molecular consequence: missense variant.
Genome position (GRCh38, 1-based): chr20:10,658,542, A>G on the plus strand (T>C on the coding strand, the complement: JAG1 is on the minus strand). VCF-style: chr20-10658542-A-G. GRCh37 (hg19) VCF-style: chr20-10639190-A-G.
Other names: short protein forms F207S.
Identifiers: ClinVar variation 3375543 (VCV003375543.1).
Genomic context (GRCh38, chr20:10,658,542, plus strand): 5'-GGGCCCATCCAGCCTTCCATGCAAGTTTTGTTGCCATTCTGGTCACAGGCATAGTGTCCA[A>G]AGAAGTCATCTCTGGGGCGGCAGAACTTATTGCAGCCAAAGCCATAGTAGTAGTCATCAC-3'
Protein context (NP_000205.1, residues 197-217): NKFCRPRDDF[Phe207Ser]GHYACDQNGN